The following is an entry in ClinVar:

NM_004409.5(DMPK):c.*224CTG[436]

Genes: DM1-AS (DM1 locus antisense RNA; plus strand), DMPK (DM1 protein kinase; minus strand), LOC107075317 (origin of replication in DMPK trinucleotide repeat region; plus strand), LOC109461477 (dystrophia myotonica protein kinase repeat instability region; plus strand). Cytogenetic location: 19q13.32.
Variant type: Microsatellite.
Coding change: c.*224CTG[436] on transcript NM_004409.5 (MANE Select); 436 copies in a row of the 3-base unit CTG starting at c.*224.
Molecular consequence: 3 prime UTR variant.
Genome position: GRCh38, VCF-style position (the base before the change): chr19:45,770,204. GRCh37 (hg19), VCF-style position (the base before the change): chr19:46,273,462.
Other names: DM1 CTG repeat expansion; c.*224CTG[436] (NM_001081560.3, NM_001288764.2, NM_001424165.1 and 1 more transcripts); c.*217CTG[436] (NM_001081562.3, NM_001288765.2, NM_001424162.1 and 2 more transcripts); c.*222_*224TGC[436] (NM_001081563.3); c.*369CTG[436] (NM_001288766.2, NM_001424164.1, NM_001424168.1).
Identifiers: ClinVar variation 187981 (VCV000187981.1), ClinGen allele CA915951798.

ClinVar aggregate classification (germline): Pathogenic (0 of 4 stars; one submission).

Conditions:
Steinert myotonic dystrophy syndrome (DM1). Also called: STEINERT DISEASE; Myotonic dystrophy type 1; Dystrophia myotonica type 1; Steinert myotonic dystrophy; Steinert's disease. Identifiers: Orphanet 273, MedGen C3250443, MONDO:0008056, OMIM 160900.

Submission:

Institute of Molecular, Cell and Systems Biology, University of Glasgow
Classification: Pathogenic for Steinert myotonic dystrophy syndrome. Review status: no assertion criteria provided. Criteria: research. Collection method: research. Allele origin: germline. Inheritance: Autosomal dominant inheritance. Affected: yes. Observed: 1 heterozygote.
Comment: DMPK CTG repeat expansions greater than approximately 45-50 repeats are assumed to be pathogenic

This record is based on data published in PubMed 25052313, which reports only ClinVar accessions SCV000120188 and SCV000120189. The complete data set includes SCV000207445 - SCV000207579.

Literature cited by the submitters: PubMed 1346923; PubMed 1546326; PubMed 25052313.